The following is an entry in ClinVar:

NM_001369268.1(ACAN):c.4888A>G (p.Ser1630Gly)

Gene: ACAN (aggrecan; plus strand). Cytogenetic location: 15q26.1.
Variant type: single nucleotide variant.
Coding change: c.4888A>G on transcript NM_001369268.1 (MANE Select); coding-DNA position 4888, A replaced by G.
Protein change: p.Ser1630Gly; replaces serine 1630 with glycine.
Molecular consequence: missense variant.
Genome position (GRCh38, 1-based): chr15:88,857,473, A>G. VCF-style: chr15-88857473-A-G. GRCh37 (hg19) VCF-style: chr15-89400704-A-G.
Other names: c.4888A>G, p.Ser1630Gly (NM_001135.4, NM_001411096.1, NM_001411097.1 and 1 more transcripts); short protein forms S1630G.
Identifiers: ClinVar variation 4823159 (VCV004823159.4).

ClinVar aggregate classification (germline): Uncertain significance (1 of 4 stars; one submission).

gnomAD v4.1: 27 of 1,613,874 alleles (0.0017%); highest among the groups gnomAD compares: South Asian, 0.03%; no homozygotes.

Submission:

CeGaT Center for Human Genetics Tuebingen
Classification: Uncertain significance. Last evaluated: 2026-01-01. Review status: criteria provided, single submitter. Criteria: CeGaT Center For Human Genetics Tuebingen Variant Classification Criteria Version 2. Collection method: clinical testing. Allele origin: germline. Affected: yes. Observed: 1 variant allele.
Comment: ACAN: PM2